The following is an entry in ClinVar:

ClinVar aggregate classification (germline): Uncertain significance (1 of 4 stars; one submission).

Submission:

Labcorp Genetics (formerly Invitae), Labcorp
Classification: Uncertain significance. Last evaluated: 2022-08-15. Review status: criteria provided, single submitter. Criteria: Invitae Variant Classification Sherloc (09022015). Collection method: clinical testing. Allele origin: germline.
Comment: This sequence change replaces threonine, which is neutral and polar, with isoleucine, which is neutral and non-polar, at codon 7 of the KATNB1 protein (p.Thr7Ile). This variant is not present in population databases (gnomAD no frequency). This variant has not been reported in the literature in individuals affected with KATNB1-related conditions. Algorithms developed to predict the effect of missense changes on protein structure and function are either unavailable or do not agree on the potential impact of this missense change (SIFT: "Deleterious"; PolyPhen-2: "Possibly Damaging"; Align-GVGD: "Class C0"). In summary, the available evidence is currently insufficient to determine the role of this variant in disease. Therefore, it has been classified as a Variant of Uncertain Significance.

NM_005886.3(KATNB1):c.20C>T (p.Thr7Ile)

Gene: KATNB1 (katanin regulatory subunit B1; plus strand). Cytogenetic location: 16q21.
Variant type: single nucleotide variant.
Coding change: c.20C>T on transcript NM_005886.3 (MANE Select); coding-DNA position 20, C replaced by T.
Protein change: p.Thr7Ile; replaces threonine 7 with isoleucine.
Molecular consequence: missense variant.
Genome position (GRCh38, 1-based): chr16:57,737,263, C>T. VCF-style: chr16-57737263-C-T. GRCh37 (hg19) VCF-style: chr16-57771175-C-T.
Other names: short protein forms T7I.
Identifiers: ClinVar variation 2089938 (VCV002089938.4), dbSNP rs2506883662, ClinGen allele CA396060409.